The following is an entry in ClinVar:

NM_002295.6(RPSA):c.541G>A (p.Glu181Lys)

Gene: RPSA (ribosomal protein SA; plus strand). Cytogenetic location: 3p22.1.
Variant type: single nucleotide variant.
Coding change: c.541G>A on transcript NM_002295.6 (MANE Select); coding-DNA position 541, G replaced by A.
Protein change: p.Glu181Lys; replaces glutamic acid 181 with lysine.
Molecular consequence: missense variant.
Genome position (GRCh38, 1-based): chr3:39,411,691, G>A. VCF-style: chr3-39411691-G-A. GRCh37 (hg19) VCF-style: chr3-39453182-G-A.
Other names: c.556G>A, p.Glu186Lys (NM_001304288.2); short protein forms E186K, E181K.
Identifiers: ClinVar variation 3641014 (VCV003641014.2).

ClinVar aggregate classification (germline): Uncertain significance (1 of 4 stars; one submission).

Submission:

Labcorp Genetics (formerly Invitae), Labcorp
Classification: Uncertain significance. Last evaluated: 2024-02-15. Review status: criteria provided, single submitter. Criteria: Invitae Variant Classification Sherloc (09022015). Collection method: clinical testing. Allele origin: germline.
Comment: This sequence change replaces glutamic acid, which is acidic and polar, with lysine, which is basic and polar, at codon 181 of the RPSA protein (p.Glu181Lys). This variant is not present in population databases (gnomAD no frequency). This variant has not been reported in the literature in individuals affected with RPSA-related conditions. Advanced modeling of protein sequence and biophysical properties (such as structural, functional, and spatial information, amino acid conservation, physicochemical variation, residue mobility, and thermodynamic stability) has been performed at Invitae for this missense variant, however the output from this modeling did not meet the statistical confidence thresholds required to predict the impact of this variant on RPSA protein function. In summary, the available evidence is currently insufficient to determine the role of this variant in disease. Therefore, it has been classified as a Variant of Uncertain Significance.